The following is an entry in ClinVar:

NM_018451.5(CPAP):c.2834T>C (p.Ile945Thr)

Gene: CPAP (centrosome assembly and centriole elongation protein; minus strand). Cytogenetic location: 13q12.12.
Variant type: single nucleotide variant.
Coding change: c.2834T>C on transcript NM_018451.5 (MANE Select); coding-DNA position 2834, T replaced by C.
Protein change: p.Ile945Thr; replaces isoleucine 945 with threonine.
Molecular consequence: missense variant. On other transcripts: non-coding transcript variant (2).
Genome position (GRCh38, 1-based): chr13:24,899,576, A>G on the plus strand (T>C on the coding strand, the complement: CPAP is on the minus strand). VCF-style: chr13-24899576-A-G. GRCh37 (hg19) VCF-style: chr13-25473714-A-G.
Other names: short protein forms I945T.
Identifiers: ClinVar variation 1997358 (VCV001997358.4), dbSNP rs2541661850, ClinGen allele CA387583250.
Genomic context (GRCh38, chr13:24,899,576, plus strand): 5'-TCCTTTTTAAACTCTTCTATTCGAGCTAATTCTTTTGCTTTCTGTTGTTCGAAGTCTGCA[A>G]TTTCTTTCCTAAAATGACCAAACTATGTTATCACCTAAGGAGACCATCTCAGTGCAGTGA-3'
Protein context (NP_060921.3, residues 935-955): ESALEKLRKE[Ile945Thr]ADFEQQKAKE

ClinVar aggregate classification (germline): Uncertain significance (1 of 4 stars; one submission).

Submission:

Labcorp Genetics (formerly Invitae), Labcorp
Classification: Uncertain significance. Last evaluated: 2022-05-21. Review status: criteria provided, single submitter. Criteria: Invitae Variant Classification Sherloc (09022015). Collection method: clinical testing. Allele origin: germline.
Comment: In summary, the available evidence is currently insufficient to determine the role of this variant in disease. Therefore, it has been classified as a Variant of Uncertain Significance. Algorithms developed to predict the effect of missense changes on protein structure and function output the following: SIFT: "Tolerated"; PolyPhen-2: "Benign"; Align-GVGD: "Class C0". The threonine amino acid residue is found in multiple mammalian species, which suggests that this missense change does not adversely affect protein function. This variant has not been reported in the literature in individuals affected with CENPJ-related conditions. This variant is not present in population databases (gnomAD no frequency). This sequence change replaces isoleucine, which is neutral and non-polar, with threonine, which is neutral and polar, at codon 945 of the CENPJ protein (p.Ile945Thr).